The following is an entry in ClinVar:

NM_004329.3(BMPR1A):c.20A>G (p.Tyr7Cys)

Gene: BMPR1A (bone morphogenetic protein receptor type 1A; plus strand). Cytogenetic location: 10q23.2.
Variant type: single nucleotide variant.
Coding change: c.20A>G on transcript NM_004329.3 (MANE Select); coding-DNA position 20, A replaced by G.
Protein change: p.Tyr7Cys; replaces tyrosine 7 with cysteine.
Molecular consequence: missense variant. On other transcripts: 5 prime UTR variant (1), non-coding transcript variant (3), intron variant (4).
Genome position (GRCh38, 1-based): chr10:86,876,038, A>G. VCF-style: chr10-86876038-A-G. GRCh37 (hg19) VCF-style: chr10-88635795-A-G.
Other names: c.20A>G, p.Tyr7Cys (NM_001406559.1, NM_001406560.1, NM_001406561.1 and 23 more transcripts); c.-60A>G (NM_001406588.1); c.-17-14024A>G (NM_001406584.1, NM_001406587.1, NM_001406585.1); c.-12-14029A>G (NM_001406586.1); short protein forms Y7C.
Identifiers: ClinVar variation 2581433 (VCV002581433.2), dbSNP rs993642453, ClinGen allele CA211238807.

ClinVar aggregate classification (germline): Uncertain significance. Review status: criteria provided, multiple submitters, no conflicts (2 of 4 stars). 2 submissions from 2 submitters: Uncertain significance (2). Last evaluated 2025-07-21.

Conditions:
Juvenile polyposis syndrome (JPS). Identifiers: Orphanet 2929, MedGen C0345893, MONDO:0017380, OMIM 174900.

Allele frequency attached by ClinVar (database versions not stated): gnomAD exomes below 0.00001.
gnomAD v4.1: 1 of 1,611,272 alleles (0.000062%); highest among the groups gnomAD compares: Non-Finnish European, 0.000085%; no homozygotes.

Submissions (2):

Labcorp Genetics (formerly Invitae), Labcorp
Classification: Uncertain significance for Juvenile polyposis syndrome. Last evaluated: 2025-07-21. Review status: criteria provided, single submitter. Criteria: Invitae Variant Classification Sherloc (09022015). Collection method: clinical testing. Allele origin: germline.
Comment: This sequence change replaces tyrosine, which is neutral and polar, with cysteine, which is neutral and slightly polar, at codon 7 of the BMPR1A protein (p.Tyr7Cys). This variant is not present in population databases (gnomAD no frequency). This variant has not been reported in the literature in individuals affected with BMPR1A-related conditions. ClinVar contains an entry for this variant (Variation ID: 2581433). Invitae Evidence Modeling of protein sequence and biophysical properties (such as structural, functional, and spatial information, amino acid conservation, physicochemical variation, residue mobility, and thermodynamic stability) indicates that this missense variant is not expected to disrupt BMPR1A protein function with a negative predictive value of 95%. In summary, the available evidence is currently insufficient to determine the role of this variant in disease. Therefore, it has been classified as a Variant of Uncertain Significance.

Women's Health and Genetics/Laboratory Corporation of America, LabCorp
Classification: Uncertain significance. Last evaluated: 2023-08-29. Review status: criteria provided, single submitter. Criteria: LabCorp Variant Classification Summary - May 2015. Collection method: clinical testing. Allele origin: germline.
Comment: Variant summary: BMPR1A c.20A>G (p.Tyr7Cys) results in a non-conservative amino acid change in the encoded protein sequence. Four of five in-silico tools predict a benign effect of the variant on protein function. The variant was absent in 251346 control chromosomes. The available data on variant occurrences in the general population are insufficient to allow any conclusion about variant significance. To our knowledge, no occurrence of c.20A>G in individuals affected with Juvenile Polyposis Syndrome and no experimental evidence demonstrating its impact on protein function have been reported. No submitters have cited clinical-significance assessments for this variant to ClinVar after 2014. Based on the evidence outlined above, the variant was classified as uncertain significance.